The following is an entry in ClinVar:

ClinVar aggregate classification (germline): Likely pathogenic (1 of 4 stars; one submission).

Submission:

Mayo Clinic Laboratories, Mayo Clinic
Classification: Likely pathogenic. Last evaluated: 2025-09-11. Review status: criteria provided, single submitter. Criteria: ACMG Guidelines, 2015. Collection method: clinical testing. Allele origin: germline. Observed: 1 variant allele.
Comment: PM2_supporting, PVS1

NM_000388.4(CASR):c.670G>T (p.Glu224Ter)

Gene: CASR (calcium sensing receptor; plus strand). Cytogenetic location: 3q21.1.
Variant type: single nucleotide variant.
Coding change: c.670G>T on transcript NM_000388.4 (MANE Select); coding-DNA position 670, G replaced by T.
Protein change: p.Glu224Ter; replaces glutamic acid 224 with a stop codon.
Molecular consequence: nonsense.
Genome position (GRCh38, 1-based): chr3:122,261,705, G>T. VCF-style: chr3-122261705-G-T. GRCh37 (hg19) VCF-style: chr3-121980552-G-T.
Other names: p.Glu224*; c.670G>T, p.Glu224Ter (NM_001178065.2); short protein forms E224*.
Identifiers: ClinVar variation 4540912 (VCV004540912.1).
Genomic context (GRCh38, chr3:122,261,705, plus strand): 5'-TTCCGCTGGAACTGGGTGGGCACAATTGCAGCTGATGACGACTATGGGCGGCCGGGGATT[G>T]AGAAATTCCGAGAGGAAGCTGAGGAAAGGGATATCTGCATCGACTTCAGTGAACTCATCT-3'